The following is an entry in ClinVar:

NM_001903.5(CTNNA1):c.2575T>C (p.Trp859Arg)

Gene: CTNNA1 (catenin alpha 1; plus strand). Cytogenetic location: 5q31.2.
Variant type: single nucleotide variant.
Coding change: c.2575T>C on transcript NM_001903.5 (MANE Select); coding-DNA position 2575, T replaced by C.
Protein change: p.Trp859Arg; replaces tryptophan 859 with arginine.
Molecular consequence: missense variant. On other transcripts: 3 prime UTR variant (5).
Genome position (GRCh38, 1-based): chr5:138,933,943, T>C. VCF-style: chr5-138933943-T-C. GRCh37 (hg19) VCF-style: chr5-138269632-T-C.
Other names: c.*120T>C (NM_001290307.3, NM_001324002.1, NM_001324003.1 and 2 more transcripts); c.2266T>C, p.Trp756Arg (NM_001290309.3); c.2206T>C, p.Trp736Arg (NM_001290310.3); c.1465T>C, p.Trp489Arg (NM_001290312.1, NM_001323987.1, NM_001323988.1 and 12 more transcripts); c.2575T>C, p.Trp859Arg (NM_001323982.2, NM_001323983.1, NM_001323984.2); c.2548T>C, p.Trp850Arg (NM_001323985.2); c.2482T>C, p.Trp828Arg (NM_001323986.2); c.1330T>C, p.Trp444Arg (NM_001324001.1); and 3 more; short protein forms W458R, W489R, W376R, W408R, W828R, W850R, W444R, W736R.
Identifiers: ClinVar variation 1793305 (VCV001793305.5), dbSNP rs2533952660, ClinGen allele CA361135509.

ClinVar aggregate classification (germline): Uncertain significance. Review status: criteria provided, multiple submitters, no conflicts (2 of 4 stars). 3 submissions from 3 submitters: Uncertain significance (3). Last evaluated 2024-11-19.

Conditions:
Hereditary cancer-predisposing syndrome. Also called: Hereditary neoplastic syndrome; Neoplastic Syndromes, Hereditary; Tumor predisposition; Hereditary Cancer Syndrome. Identifiers: Orphanet 140162, MedGen C0027672, MeSH D009386, MONDO:0015356.

Allele frequency attached by ClinVar (database versions not stated): gnomAD exomes below 0.00001.
gnomAD v4.1: 1 of 1,614,028 alleles (0.000062%); highest among the groups gnomAD compares: Non-Finnish European, 0.000085%; no homozygotes.

Submissions (3):

Labcorp Genetics (formerly Invitae), Labcorp
Classification: Uncertain significance. Last evaluated: 2024-11-19. Review status: criteria provided, single submitter. Criteria: Invitae Variant Classification Sherloc (09022015). Collection method: clinical testing. Allele origin: germline.
Comment: This sequence change replaces tryptophan, which is neutral and slightly polar, with arginine, which is basic and polar, at codon 859 of the CTNNA1 protein (p.Trp859Arg). This variant is not present in population databases (gnomAD no frequency). This variant has not been reported in the literature in individuals affected with CTNNA1-related conditions. ClinVar contains an entry for this variant (Variation ID: 1793305). Invitae Evidence Modeling of protein sequence and biophysical properties (such as structural, functional, and spatial information, amino acid conservation, physicochemical variation, residue mobility, and thermodynamic stability) indicates that this missense variant is expected to disrupt CTNNA1 protein function with a positive predictive value of 80%. In summary, the available evidence is currently insufficient to determine the role of this variant in disease. Therefore, it has been classified as a Variant of Uncertain Significance.

Ambry Genetics
Classification: Uncertain significance for Hereditary cancer-predisposing syndrome. Last evaluated: 2021-11-07. Review status: criteria provided, single submitter. Criteria: Ambry Variant Classification Scheme 2023. Collection method: clinical testing. Allele origin: germline.
Comment: The p.W859R variant (also known as c.2575T>C), located in coding exon 17 of the CTNNA1 gene, results from a T to C substitution at nucleotide position 2575. The tryptophan at codon 859 is replaced by arginine, an amino acid with dissimilar properties. This amino acid position is conserved. In addition, this alteration is predicted to be deleterious by in silico analysis. Since supporting evidence is limited at this time, the clinical significance of this alteration remains unclear.

Blueprint Genetics
Classification: Uncertain significance. Last evaluated: 2019-04-28. Review status: criteria provided, single submitter. Criteria: ACMG Guidelines, 2015. Collection method: clinical testing. Allele origin: germline.